The following is an entry in ClinVar:

ClinVar aggregate classification (germline): Uncertain significance (1 of 4 stars; one submission).

Conditions:
Cardiovascular phenotype. Identifiers: MedGen CN230736.
Hereditary cancer-predisposing syndrome. Also called: Neoplastic Syndromes, Hereditary; Tumor predisposition; Hereditary Cancer Syndrome; Hereditary neoplastic syndrome. Identifiers: Orphanet 140162, MedGen C0027672, MeSH D009386, MONDO:0015356.

Submission:

Ambry Genetics
Classification: Uncertain significance for Cardiovascular phenotype; Hereditary cancer-predisposing syndrome. Last evaluated: 2026-06-09. Review status: criteria provided, single submitter. Criteria: Ambry Variant Classification Scheme 2023. Collection method: clinical testing. Allele origin: germline.
Comment: The p.A2018S variant (also known as c.6052G>T), located in coding exon 40 of the NF1 gene, results from a G to T substitution at nucleotide position 6052. The alanine at codon 2018 is replaced by serine, an amino acid with similar properties. This amino acid position is highly conserved in available vertebrate species. In addition, this alteration is predicted to be deleterious by in silico analysis. Based on the available evidence, the clinical significance of this variant remains unclear.

NM_001042492.3(NF1):c.6115G>T (p.Ala2039Ser)

Gene: NF1 (neurofibromin 1; plus strand). Cytogenetic location: 17q11.2.
Variant type: single nucleotide variant.
Coding change: c.6115G>T on transcript NM_001042492.3 (MANE Select); coding-DNA position 6115, G replaced by T.
Protein change: p.Ala2039Ser; replaces alanine 2039 with serine.
Molecular consequence: missense variant.
Genome position (GRCh38, 1-based): chr17:31,336,441, G>T. VCF-style: chr17-31336441-G-T. GRCh37 (hg19) VCF-style: chr17-29663459-G-T.
Other names: c.6052G>T, p.Ala2018Ser (NM_000267.4); short protein forms A2018S, A2039S.
Identifiers: ClinVar variation 4860994 (VCV004860994.1).